The following is an entry in ClinVar:

NM_005263.5(GFI1):c.601G>A (p.Gly201Ser)

Gene: GFI1 (growth factor independent 1 transcriptional repressor; minus strand). Cytogenetic location: 1p22.1.
Variant type: single nucleotide variant.
Coding change: c.601G>A on transcript NM_005263.5 (MANE Select); coding-DNA position 601, G replaced by A.
Protein change: p.Gly201Ser; replaces glycine 201 with serine.
Molecular consequence: missense variant.
Genome position (GRCh38, 1-based): chr1:92,480,786, C>T on the plus strand (G>A on the coding strand, the complement: GFI1 is on the minus strand). VCF-style: chr1-92480786-C-T. GRCh37 (hg19) VCF-style: chr1-92946343-C-T.
Other names: c.601G>A, p.Gly201Ser (NM_001127215.3, NM_001127216.3); short protein forms G201S.
Identifiers: ClinVar variation 4843278 (VCV004843278.1).

ClinVar aggregate classification (germline): Uncertain significance (1 of 4 stars; one submission).

gnomAD v4.1: 1 of 1,598,786 alleles (0.000063%); highest among the groups gnomAD compares: Non-Finnish European, 0.000085%; no homozygotes.

Submission:

Ambry Genetics
Classification: Uncertain significance. Last evaluated: 2025-12-18. Review status: criteria provided, single submitter. Criteria: Ambry Variant Classification Scheme 2023. Collection method: clinical testing. Allele origin: germline.
Comment: The p.G201S variant (also known as c.601G>A), located in coding exon 3 of the GFI1 gene, results from a G to A substitution at nucleotide position 601. The glycine at codon 201 is replaced by serine, an amino acid with similar properties. This amino acid position is conserved. In addition, this alteration is predicted to be tolerated by in silico analysis. Based on the available evidence, the clinical significance of this variant remains unclear.